The following is an entry in ClinVar:

NM_022168.4(IFIH1):c.284T>C (p.Met95Thr)

Gene: IFIH1 (interferon induced with helicase C domain 1; minus strand). Cytogenetic location: 2q24.2.
Variant type: single nucleotide variant.
Coding change: c.284T>C on transcript NM_022168.4 (MANE Select); coding-DNA position 284, T replaced by C.
Protein change: p.Met95Thr; replaces methionine 95 with threonine.
Molecular consequence: missense variant.
Genome position (GRCh38, 1-based): chr2:162,318,024, A>G on the plus strand (T>C on the coding strand, the complement: IFIH1 is on the minus strand). VCF-style: chr2-162318024-A-G. GRCh37 (hg19) VCF-style: chr2-163174534-A-G.
Other names: short protein forms M95T.
Identifiers: ClinVar variation 1370490 (VCV001370490.6), dbSNP rs769741397, ClinGen allele CA349013694.

ClinVar aggregate classification (germline): Uncertain significance (1 of 4 stars; one submission).

Conditions:
Singleton-Merten syndrome 1 (SGMRT1). Also called: Widened medullary cavities of bone, aortic calcification, abnormal dentition, and muscular weakness; Syndrome of widened medullary cavities of the metacarpals and phalanges, aortic calcification and abnormal dentition. Identifiers: Orphanet 85191, MedGen C4225427, MONDO:0024535, OMIM 182250.
Aicardi-Goutieres syndrome 7 (AGS7). Identifiers: Orphanet 51, MedGen C3888244, MONDO:0014367, OMIM 615846.

Allele frequency attached by ClinVar (database versions not stated): gnomAD exomes below 0.00001.
gnomAD v4.1: 1 of 1,614,178 alleles (0.000062%); highest among the groups gnomAD compares: Non-Finnish European, 0.000085%; no homozygotes.

Submission:

Labcorp Genetics (formerly Invitae), Labcorp
Classification: Uncertain significance for Aicardi-Goutieres syndrome 7; Singleton-Merten syndrome 1. Last evaluated: 2021-12-02. Review status: criteria provided, single submitter. Criteria: Invitae Variant Classification Sherloc (09022015). Collection method: clinical testing. Allele origin: germline.
Comment: In summary, the available evidence is currently insufficient to determine the role of this variant in disease. Therefore, it has been classified as a Variant of Uncertain Significance. Algorithms developed to predict the effect of missense changes on protein structure and function are either unavailable or do not agree on the potential impact of this missense change (SIFT: "Deleterious"; PolyPhen-2: "Benign"; Align-GVGD: "Class C0"). This variant has not been reported in the literature in individuals affected with IFIH1-related conditions. This variant is not present in population databases (gnomAD no frequency). This sequence change replaces methionine, which is neutral and non-polar, with threonine, which is neutral and polar, at codon 95 of the IFIH1 protein (p.Met95Thr).